The following is an entry in ClinVar:

NM_000350.3(ABCA4):c.4457C>T (p.Pro1486Leu)

Gene: ABCA4 (ATP binding cassette subfamily A member 4; minus strand). Cytogenetic location: 1p22.1.
Variant type: single nucleotide variant.
Coding change: c.4457C>T on transcript NM_000350.3 (MANE Select); coding-DNA position 4457, C replaced by T.
Protein change: p.Pro1486Leu; replaces proline 1486 with leucine.
Molecular consequence: missense variant.
Genome position (GRCh38, 1-based): chr1:94,029,527, G>A on the plus strand (C>T on the coding strand, the complement: ABCA4 is on the minus strand). VCF-style: chr1-94029527-G-A. GRCh37 (hg19) VCF-style: chr1-94495083-G-A.
Other names: NM_000350.3(ABCA4):c.4457C>T; c.4235C>T, p.Pro1412Leu (NM_001425324.1); short protein forms P1486L, P1412L.
Identifiers: ClinVar variation 99283 (VCV000099283.72), dbSNP rs61750145, ClinGen allele CA227192.
Genomic context (GRCh38, chr1:94,029,527, plus strand): 5'-GCACCCTCGGGGCACTCTGGCAGCATGGTGAGCTTCTCCCTGGTGCTGCACCTGCAGGAT[G>A]GTGAAGGGTTGACCTGTGTCCATTTCTGCTTCTGGAACAGCTGGGTGATGTTTGGGGACA-3'
Protein context (NP_000341.2, residues 1476-1496): KQKWTQVNPS[Pro1486Leu]SCRCSTREKL

ClinVar aggregate classification (germline): Pathogenic. Review status: reviewed by expert panel (3 of 4 stars). 21 submissions from 20 submitters: Pathogenic (1). 20 of the submissions do not count toward it. Last evaluated 2025-12-05.

Conditions:
ABCA4-related retinopathy. Also called: ABCA4-related retinoapthy; ABCA4 retinoapthy. Identifiers: MedGen CN322612, MONDO:0800406.
ABCA4-related disorder. Also called: ABCA4-related disorders; ABCA4-related condition. Identifiers: MedGen CN239167.
Severe early-childhood-onset retinal dystrophy (STGD1). Also called: MACULAR DYSTROPHY WITH FLECKS, TYPE 1; STGD; Stargardt macular dystrophy; Juvenile onset macular degeneration; Stargardt disease 1. Identifiers: Orphanet 364055, Orphanet 827, MedGen C1855465, MeSH D000080362, MONDO:0009549, OMIM 248200.
Retinitis pigmentosa 19 (RP19). Also called: ABCA4-Related Retinitis Pigmentosa. Identifiers: Orphanet 791, MedGen C1866422, MONDO:0011137, OMIM 601718.
Cone-rod dystrophy 3 (CORD3). Identifiers: Orphanet 1872, MedGen C1858806, MONDO:0011395, OMIM 604116.
Age related macular degeneration 2. Also called: MACULAR DEGENERATION, SENILE; MACULOPATHY, AGE-RELATED, 2; MACULOPATHY, AGE-RELATED. Identifiers: MedGen C3495438, MONDO:0007932, OMIM 153800.
Retinal dystrophy. Also called: Inherited retinal dystrophy. Identifiers: Orphanet 71862, MedGen C0854723, MeSH D058499, MONDO:0019118, HP:0000556.
Stargardt disease (FFM). Also called: Fundus flavimaculatus; Stargardt's disease. Identifiers: Orphanet 827, MedGen C0271093, MONDO:0019353.

Allele frequency attached by ClinVar (database versions not stated): gnomAD 0.00009; ExAC 0.00014; gnomAD exomes 0.00012 and 0.00003; TOPMed 0.00014.
gnomAD v4.1: 61 of 1,610,682 alleles (0.0038%); highest among the groups gnomAD compares: Admixed American, 0.065%; no homozygotes.

Submissions 1 to 9 of 21:

ClinGen ABCA4 Variant Curation Expert Panel, Clingen
Classification: Pathogenic for ABCA4-related retinopathy. Last evaluated: 2025-12-05. Review status: reviewed by expert panel. Criteria: ClinGen ABCA4 ACMG Specifications V1.0.0. Collection method: curation. Allele origin: germline. Inheritance: Autosomal recessive inheritance.
Comment: The NM_000350.3(ABCA4):c.4457C>T variant in ABCA4 is a missense variant predicted to cause substitution of proline by leucine at amino acid 1486 (p.Pro1486Leu). The total minor allele frequency in gnomAD v4.1.0 is 0.00003787 (61/1610682 alleles), which is lower than the ClinGen ABCA4 VCEP’s threshold for PM2_Supporting (<0.0001). The computational predictor REVEL gives a score of 0.88 which is above the threshold of >0.772, evidence that predicts a damaging effect on ABCA4 function (PP3_Moderate). The prevalence of the variant in affected individuals is significantly increased compared with the prevalence in controls. The OR is 58.8 and the CI is (30.38-124.55), which is above the ABCA4 VCEP threshold of >5, where the CI does not contain 1 (PS4; PMID: 35120629). At least one proband meeting phenotypic criteria for ABCA4-related retinopathy (PP4, PMID:33841504). This variant has been detected in at least 4 individuals with ABCA4-related retinopathy who were homozygous for the variant (PM3; PMID: 32619608, 32036094). In summary, this variant meets the criteria to be classified as pathogenic for ABCA4-related retinopathy based on the ACMG/AMP criteria applied, as specified by the ClinGen ABCA4 VCEP (Specification Version 1.0): PS4, PM3, PP3_Moderate, PP4, PM2_Supporting.

GeneDx
Classification: Pathogenic. Last evaluated: 2026-09-01. Review status: criteria provided, single submitter. Criteria: GeneDx Variant Classification Process June 2021. Collection method: clinical testing. Allele origin: germline. Not counted in ClinVar's aggregate classification.
Comment: In silico analysis supports that this missense variant has a deleterious effect on protein structure/function; This variant is associated with the following publications: (PMID: 35120629, 31964843, 36460718, 32307445, 35076026, 37217489, 11328725, 21911583, 39843441, 39062705, 39162841, 38309476, 38219857, 38347443, 30093795, 37734845, 23143460, 11527935, 17932850, 9973280, 18285826, 28118664, 25412400, 22247458, 28559085, 31129250, 31456290, 32845050, 32036094, 31589614, 32619608, 35119454)

PreventionGenetics, part of Exact Sciences
Classification: Pathogenic for ABCA4-related condition. Last evaluated: 2026-08-24. Review status: criteria provided, single submitter. Criteria: ACMG Guidelines, 2015. Collection method: clinical testing. Allele origin: germline. Not counted in ClinVar's aggregate classification.
Comment: The ABCA4 c.4457C>T variant is predicted to result in the amino acid substitution p.Pro1486Leu. This variant has been reported many times in individuals with autosomal recessive ABCA4-related retinal disease (see for examples: Table S4, Rodríguez-Muñoz et al. 2020. PubMed ID: 32036094; Table S1, Lin et al. 2024. PubMed ID: 38219857; Table S1, Stone et al. 2017. PubMed ID: 28559085; Del Pozo-Valero et al. 2020. PubMed ID: 31129250). This variant is reported in 0.062% of alleles in individuals of Latino descent in gnomAD. This variant is interpreted as pathogenic.

Labcorp Genetics (formerly Invitae), Labcorp
Classification: Pathogenic. Last evaluated: 2026-01-18. Review status: criteria provided, single submitter. Criteria: Invitae Variant Classification Sherloc (09022015). Collection method: clinical testing. Allele origin: germline. Not counted in ClinVar's aggregate classification.
Comment: This sequence change replaces proline, which is neutral and non-polar, with leucine, which is neutral and non-polar, at codon 1486 of the ABCA4 protein (p.Pro1486Leu). This variant is present in population databases (rs61750145, gnomAD 0.07%). This missense change has been observed in individual(s) with Stargardt disease (PMID: 18285826, 22247458, 23755871, 28559085, 30093795). In at least one individual the data is consistent with being in trans (on the opposite chromosome) from a pathogenic variant. ClinVar contains an entry for this variant (Variation ID: 99283). Invitae Evidence Modeling of protein sequence and biophysical properties (such as structural, functional, and spatial information, amino acid conservation, physicochemical variation, residue mobility, and thermodynamic stability) indicates that this missense variant is expected to disrupt ABCA4 protein function with a positive predictive value of 95%. For these reasons, this variant has been classified as Pathogenic.

3billion
Classification: Pathogenic for Severe early-childhood-onset retinal dystrophy. Last evaluated: 2025-12-18. Review status: criteria provided, single submitter. Criteria: ACMG Guidelines, 2015. Collection method: clinical testing. Allele origin: germline. Affected: yes. Not counted in ClinVar's aggregate classification.
Comment: The variant is observed at an extremely low frequency in the gnomAD v4.1.0 dataset (total allele frequency: 0.004%). Predicted Consequence/Location: Missense variant In silico tool predictions suggest damaging effect of the variant on gene or gene product [REVEL: 0.88 (>=0.6, sensitivity 0.68 and specificity 0.92)]. The same nucleotide change resulting in the same amino acid change has been previously reported as pathogenic/likely pathogenic with strong evidence (ClinVar ID: VCV000099283 /PMID: 9973280 /3billion dataset). The variant has been reported to be in trans with a pathogenic variant as either compound heterozygous or homozygous in at least 4 similarly affected unrelated individuals (PMID: 23755871). Therefore, this variant is classified as Pathogenic according to the recommendation of ACMG/AMP guideline.

OLLIN Analises Genomicas, OLLIN
Classification: Pathogenic for Severe early-childhood-onset retinal dystrophy. Last evaluated: 2025-12-11. Review status: criteria provided, single submitter. Criteria: ACMG Guidelines 2015 PMID 25741868. Collection method: clinical testing. Allele origin: germline. Affected: yes. Observed: 1 variant allele. Not counted in ClinVar's aggregate classification.
Comment: The missense variant (chr1:94029527G>A), located in exon 30 (of 50), is reported in ClinVar (VCV000099283.61), in gnomAD v4.1 non-UKB with an allele frequency of 0.0072%, and in the scientific literature, in homozygous and compound heterozygous states, in individuals with retinal dystrophy (PMID: 28559085, 31129250, 32036094, 38219857). In silico analysis predicts that this variant has a deleterious effect. According to currently available evidence, this variant has been classified as pathogenic (PM2_P, PM3_VS, PP3_M).

Dasa
Classification: Pathogenic. Last evaluated: 2025-11-05. Review status: criteria provided, single submitter. Criteria: DASA Assertion Criteria. Collection method: clinical testing. Allele origin: germline. Not counted in ClinVar's aggregate classification.
Comment: NM_000350.3(ABCA4):c.4457C>T (p.Pro1486Leu) is a missense variant that results in the substitution of proline with leucine. This variant has been observed in affected individuals with related phenotype in a genotype context consistent with recessive disease (PMID: 30093795; PMID: 23755871; PMID: 22247458; PMID: 18285826). This variant has been recurrently observed in individuals with related phenotype (PMID: 30093795; PMID: 23755871; PMID: 22247458; PMID: 18285826). Multiple computational predictions support a deleterious effect on the gene or gene product. The variant is present at low frequency in population datasets. Based on the available data, this variant is classified as pathogenic.

First Genomix Gene Laboratory, Genetic Diagnostics Department
Classification: Pathogenic for Cone-rod dystrophy 3; Severe early-childhood-onset retinal dystrophy; Retinitis pigmentosa 19. Last evaluated: 2025-08-19. Review status: criteria provided, single submitter. Criteria: ACMG Guidelines, 2015. Collection method: clinical testing. Allele origin: germline. Inheritance: Autosomal recessive inheritance. Affected: no. Observed: 1 variant allele. Not counted in ClinVar's aggregate classification.

Blueprint Genetics
Classification: Pathogenic for ABCA4-related disorders. Last evaluated: 2023-10-24. Review status: criteria provided, single submitter. Criteria: ACMG Guidelines, 2015. Collection method: clinical testing. Allele origin: germline. Affected: yes. Observed: 5 variant alleles. Not counted in ClinVar's aggregate classification.